The following is an entry in ClinVar:

NM_001201543.2(FAM161A):c.1443A>C (p.Glu481Asp)

Gene: FAM161A (FAM161 centrosomal protein A; minus strand). Cytogenetic location: 2p15.
Variant type: single nucleotide variant.
Coding change: c.1443A>C on transcript NM_001201543.2 (MANE Select); coding-DNA position 1443, A replaced by C.
Protein change: p.Glu481Asp; replaces glutamic acid 481 with aspartic acid.
Molecular consequence: missense variant. On other transcripts: non-coding transcript variant (1).
Genome position (GRCh38, 1-based): chr2:61,839,561, T>G on the plus strand (A>C on the coding strand, the complement: FAM161A is on the minus strand). VCF-style: chr2-61839561-T-G. GRCh37 (hg19) VCF-style: chr2-62066696-T-G.
Other names: c.1443A>C (NM_001201543.1); c.1443A>C, p.Glu481Asp (NM_032180.3); short protein forms E481D.
Identifiers: ClinVar variation 2170406 (VCV002170406.4), dbSNP rs569483704, ClinGen allele CA1679157.
Genomic context (GRCh38, chr2:61,839,561, plus strand): 5'-ACATCTTACTGGTGACTTACGCCTTGGAGACAAATAAGGCCAACGTGTTTCTTTTAAATT[T>G]TCTTCATCTGCTTCGATGTCTGCCAAAATTTTTTCTCTTTTAATAGATGCATGTGGAGAT-3'
Protein context (NP_001188472.1, residues 471-491): KILADIEADE[Glu481Asp]NLKETRWPYL

ClinVar aggregate classification (germline): Uncertain significance. Review status: criteria provided, multiple submitters, no conflicts (2 of 4 stars). 2 submissions from 2 submitters: Uncertain significance (2). Last evaluated 2024-10-15.

Conditions:
Inborn genetic diseases. Identifiers: MedGen C0950123, MeSH D030342.

Allele frequency attached by ClinVar (database versions not stated): gnomAD 0.00001; gnomAD exomes 0.00001; ExAC 0.00002; 1000 Genomes Project 0.00020; 1000 Genomes Project 30x 0.00031.

Submissions (2):

Labcorp Genetics (formerly Invitae), Labcorp
Classification: Uncertain significance. Last evaluated: 2024-10-15. Review status: criteria provided, single submitter. Criteria: Invitae Variant Classification Sherloc (09022015). Collection method: clinical testing. Allele origin: germline.
Comment: This sequence change replaces glutamic acid, which is acidic and polar, with aspartic acid, which is acidic and polar, at codon 481 of the FAM161A protein (p.Glu481Asp). This variant is present in population databases (rs569483704, gnomAD 0.01%). This variant has not been reported in the literature in individuals affected with FAM161A-related conditions. ClinVar contains an entry for this variant (Variation ID: 2170406). Invitae Evidence Modeling of protein sequence and biophysical properties (such as structural, functional, and spatial information, amino acid conservation, physicochemical variation, residue mobility, and thermodynamic stability) indicates that this missense variant is not expected to disrupt FAM161A protein function with a negative predictive value of 80%. In summary, the available evidence is currently insufficient to determine the role of this variant in disease. Therefore, it has been classified as a Variant of Uncertain Significance.

Ambry Genetics
Classification: Uncertain significance for Inborn genetic diseases. Last evaluated: 2024-08-01. Review status: criteria provided, single submitter. Criteria: Ambry Variant Classification Scheme 2023. Collection method: clinical testing. Allele origin: germline.